The following is an entry in ClinVar:

NM_003183.6(ADAM17):c.2106T>C (p.Tyr702=)

Genes: ADAM17 (ADAM metallopeptidase domain 17; minus strand), IAH1 (isoamyl acetate hydrolyzing esterase 1 (putative); plus strand). Cytogenetic location: 2p25.1.
Variant type: single nucleotide variant.
Coding change: c.2106T>C on transcript NM_003183.6 (MANE Select); coding-DNA position 2106, T replaced by C.
Protein change: p.Tyr702=; no amino-acid change (tyrosine 702 retained).
Molecular consequence: synonymous variant.
Genome position (GRCh38, 1-based): chr2:9,491,128, A>G on the plus strand (T>C on the coding strand, the complement: ADAM17 is on the minus strand). VCF-style: chr2-9491128-A-G. GRCh37 (hg19) VCF-style: chr2-9631257-A-G.
Other names: c.1446T>C, p.Tyr482= (NM_001382777.1); c.1209T>C, p.Tyr403= (NM_001382778.1).
Identifiers: ClinVar variation 2650666 (VCV002650666.26), dbSNP rs1340147216, ClinGen allele CA424783392.

ClinVar aggregate classification (germline): Likely benign. Review status: criteria provided, multiple submitters, no conflicts (2 of 4 stars). 3 submissions from 3 submitters: Likely benign (3). Last evaluated 2025-04-30.

Conditions:
Inflammatory skin and bowel disease, neonatal, 1. Identifiers: Orphanet 294023, MedGen C3280501, MONDO:0013693, OMIM 614328.

Allele frequency attached by ClinVar (database versions not stated): gnomAD exomes below 0.00001.
gnomAD v4.1: 3 of 1,613,336 alleles (0.00019%); highest among the groups gnomAD compares: Non-Finnish European, 0.00025%; no homozygotes.

Submissions (3):

Labcorp Genetics (formerly Invitae), Labcorp
Classification: Likely benign for Inflammatory skin and bowel disease, neonatal, 1. Last evaluated: 2025-04-30. Review status: criteria provided, single submitter. Criteria: Invitae Variant Classification Sherloc (09022015). Collection method: clinical testing. Allele origin: germline.

Blueprint Genetics
Classification: Likely benign. Last evaluated: 2024-09-24. Review status: criteria provided, single submitter. Criteria: ACMG Guidelines, 2015. Collection method: clinical testing. Allele origin: germline.

CeGaT Center for Human Genetics Tuebingen
Classification: Likely benign. Last evaluated: 2023-01-01. Review status: criteria provided, single submitter. Criteria: CeGaT Center For Human Genetics Tuebingen Variant Classification Criteria Version 2. Collection method: clinical testing. Allele origin: germline. Affected: yes. Observed: 1 variant allele.
Comment: ADAM17: BP4, BP7